The following is an entry in ClinVar:

NM_206933.4(USH2A):c.7134C>A (p.Tyr2378Ter)

Gene: USH2A (usherin; minus strand). Cytogenetic location: 1q41.
Variant type: single nucleotide variant.
Coding change: c.7134C>A on transcript NM_206933.4 (MANE Select); coding-DNA position 7134, C replaced by A.
Protein change: p.Tyr2378Ter; replaces tyrosine 2378 with a stop codon.
Molecular consequence: nonsense.
Genome position (GRCh38, 1-based): chr1:215,934,782, G>T on the plus strand (C>A on the coding strand, the complement: USH2A is on the minus strand). VCF-style: chr1-215934782-G-T. GRCh37 (hg19) VCF-style: chr1-216108124-G-T.
Other names: short protein forms Y2378*.
Identifiers: ClinVar variation 3902581 (VCV003902581.1).

ClinVar aggregate classification (germline): Pathogenic (1 of 4 stars; one submission).

Conditions:
Usher syndrome. Also called: Usher Syndromes; Usher's syndrome. Identifiers: Orphanet 886, MedGen CN469326, MeSH D052245, MONDO:0019501. Disease mechanism: loss of function.

Submission:

Women's Health and Genetics/Laboratory Corporation of America, LabCorp
Classification: Pathogenic for Retinitis pigmentosa-deafness syndrome. Last evaluated: 2025-05-02. Review status: criteria provided, single submitter. Criteria: LabCorp Variant Classification Summary - May 2015. Collection method: clinical testing. Allele origin: germline.
Comment: Variant summary: USH2A c.7134C>A (p.Tyr2378X) results in a premature termination codon, predicted to cause a truncation of the encoded protein or absence of the protein due to nonsense mediated decay, which are commonly known mechanisms for disease. The variant was absent in 250420 control chromosomes. To our knowledge, no occurrence of c.7134C>A in individuals affected with Usher Syndrome and no experimental evidence demonstrating its impact on protein function have been reported. No submitters have cited clinical-significance assessments for this variant to ClinVar. Based on the evidence outlined above, the variant was classified as pathogenic.